The following is an entry in ClinVar:

ClinVar aggregate classification (germline): Uncertain significance (1 of 4 stars; one submission).

gnomAD v4.1: 67 of 1,613,832 alleles (0.0042%); highest among the groups gnomAD compares: Non-Finnish European, 0.0053%; no homozygotes.

Submission:

Women's Health and Genetics/Laboratory Corporation of America, LabCorp
Classification: Uncertain significance. Last evaluated: 2025-02-25. Review status: criteria provided, single submitter. Criteria: LabCorp Variant Classification Summary - May 2015. Collection method: clinical testing. Allele origin: germline.
Comment: Variant summary: KCNMA1 c.*14C>T is located in the untranslated mRNA region downstream of the termination codon (in NM_001161352). In a different transcript the variant corresponds to an intronic variant (NM_001014797 c.3524+39C>T). Consensus agreement among computation tools predict no significant impact on normal splicing. However, these predictions have yet to be confirmed by functional studies. The variant allele was found at a frequency of 4.2e-05 in 1606838 control chromosomes (gnomAD). This frequency is not significantly higher than the maximum estimated for a pathogenic variant in KCNMA1 causing Paroxysmal Nonkinesigenic Dyskinesia, 3, With Or Without Generalized Epilepsy, although the occurrence in several carriers suggests that this variant is likely not associated with a high penetrance, severe, early onset disease phenotype in heterozygous state. To our knowledge, no occurrence of c.*14C>T in individuals affected with Paroxysmal Nonkinesigenic Dyskinesia, 3, With Or Without Generalized Epilepsy and no experimental evidence demonstrating its impact on protein function have been reported. No submitters have cited clinical-significance assessments for this variant to ClinVar. Based on the evidence outlined above, the variant was classified as uncertain significance.

NM_001161352.2(KCNMA1):c.*14C>T

Gene: KCNMA1 (potassium calcium-activated channel subfamily M alpha 1; minus strand). Cytogenetic location: 10q22.3.
Variant type: single nucleotide variant.
Coding change: c.*14C>T on transcript NM_001161352.2 (MANE Select); 14 bases downstream of the stop codon, C replaced by T.
Molecular consequence: 3 prime UTR variant. On other transcripts: intron variant (8).
Genome position (GRCh38, 1-based): chr10:76,887,252, G>A on the plus strand (C>T on the coding strand, the complement: KCNMA1 is on the minus strand). VCF-style: chr10-76887252-G-A. GRCh37 (hg19) VCF-style: chr10-78647010-G-A.
Other names: c.*14C>T (NM_001161353.2, NM_001271519.2, NM_001322836.2 and 2 more transcripts); c.3362+39C>T (NM_001271518.2); c.3512+39C>T (NM_001322832.2, NM_001410940.1); c.3521+39C>T (NM_001322829.2); c.3524+39C>T (NM_001014797.3); c.3605+39C>T (NM_001322835.2); c.3614+39C>T (NM_001322830.2); c.3059+39C>T (NM_001322838.2).
Identifiers: ClinVar variation 3768823 (VCV003768823.1).